The following is an entry in ClinVar:

NM_002448.3(MSX1):c.471G>T (p.Arg157Ser)

Gene: MSX1 (msh homeobox 1; plus strand). Cytogenetic location: 4p16.2.
Variant type: single nucleotide variant.
Coding change: c.471G>T on transcript NM_002448.3 (MANE Select); coding-DNA position 471, G replaced by T.
Protein change: p.Arg157Ser; replaces arginine 157 with serine.
Molecular consequence: missense variant.
Genome position (GRCh38, 1-based): chr4:4,862,702, G>T. VCF-style: chr4-4862702-G-T. GRCh37 (hg19) VCF-style: chr4-4864429-G-T.
Other names: short protein forms R157S.
Identifiers: ClinVar variation 225414 (VCV000225414.8), dbSNP rs150284621, ClinGen allele CA2833052.

ClinVar aggregate classification (germline): Conflicting classifications of pathogenicity. Review status: criteria provided, conflicting classifications (1 of 4 stars). 3 submissions from 3 submitters: Uncertain significance (1); Benign (1). 1 of the submissions does not count toward it. Last evaluated 2025-10-05.

Conditions:
Tooth agenesis, selective, 1. Also called: SECOND PREMOLARS AND THIRD MOLARS, ABSENCE OF; HYPODONTIA/OLIGODONTIA 1. Identifiers: Orphanet 99798, MedGen C3489529, MONDO:0007129, OMIM 106600. Disease mechanism: loss of function.
Orofacial cleft 5 (OFC5). Also called: CLEFT LIP WITH OR WITHOUT CLEFT PALATE, NONSYNDROMIC, 5. Identifiers: MedGen C1837210, MONDO:0012142, OMIM 608874.
Hypoplastic enamel-onycholysis-hypohidrosis syndrome (TNS). Also called: WITKOP SYNDROME; Tooth-and-Nail Syndrome; ECTODERMAL DYSPLASIA 3, WITKOP TYPE; ECTODERMAL DYSPLASIA 3, TOOTH/NAIL TYPE; NAIL DYSPLASIA WITH HYPODONTIA. Identifiers: Orphanet 2228, MedGen C0406735, MONDO:0008582, OMIM 189500.
MSX1-related disorder. Also called: MSX1-related condition.

Allele frequency attached by ClinVar (database versions not stated): TOPMed 0.00019; 1000 Genomes Project 30x 0.00328; 1000 Genomes Project 0.00419.

Submissions (3):

Labcorp Genetics (formerly Invitae), Labcorp
Classification: Benign for Hypoplastic enamel-onycholysis-hypohidrosis syndrome. Last evaluated: 2025-10-05. Review status: criteria provided, single submitter. Criteria: Invitae Variant Classification Sherloc (09022015). Collection method: clinical testing. Allele origin: germline.

Soonchunhyang University Bucheon Hospital, Soonchunhyang University Medical Center
Classification: Uncertain significance for Orofacial cleft 5; Tooth agenesis, selective, 1. Last evaluated: 2016-03-18. Review status: criteria provided, single submitter. Criteria: ACMG Guidelines, 2015. Collection method: reference population. Allele origin: germline. Observed: 3 variant alleles.

PreventionGenetics, part of Exact Sciences
Classification: Likely benign for MSX1-related condition. Last evaluated: 2023-11-03. Review status: no assertion criteria provided. Collection method: clinical testing. Allele origin: germline. Not counted in ClinVar's aggregate classification.
Comment: This variant is classified as likely benign based on ACMG/AMP sequence variant interpretation guidelines (Richards et al. 2015 PMID: 25741868, with internal and published modifications).

Literature cited by the submitters: PubMed 12807959 (cited by Soonchunhyang University Bucheon Hospital, Soonchunhyang University Medical Center); PubMed 21448236 (cited by Soonchunhyang University Bucheon Hospital, Soonchunhyang University Medical Center).